The following is an entry in ClinVar:

NM_025137.4(SPG11):c.4201G>C (p.Asp1401His)

Genes: SPG11 (SPG11 vesicle trafficking associated, spatacsin; minus strand), LOC130056973 (ATAC-STARR-seq lymphoblastoid active region 9341; plus strand). Cytogenetic location: 15q21.1.
Variant type: single nucleotide variant.
Coding change: c.4201G>C on transcript NM_025137.4 (MANE Select); coding-DNA position 4201, G replaced by C.
Protein change: p.Asp1401His; replaces aspartic acid 1401 with histidine.
Molecular consequence: missense variant.
Genome position (GRCh38, 1-based): chr15:44,596,316, C>G on the plus strand (G>C on the coding strand, the complement: SPG11 is on the minus strand). VCF-style: chr15-44596316-C-G. GRCh37 (hg19) VCF-style: chr15-44888514-C-G.
Other names: c.4201G>C, p.Asp1401His (NM_001160227.2); short protein forms D1401H.
Identifiers: ClinVar variation 1412469 (VCV001412469.6), dbSNP rs745439746, ClinGen allele CA7534732.

ClinVar aggregate classification (germline): Uncertain significance (1 of 4 stars; one submission).

Conditions:
Hereditary spastic paraplegia 11. Also called: SPASTIC PARAPLEGIA, AUTOSOMAL RECESSIVE, COMPLICATED, WITH THIN CORPUS CALLOSUM; SPASTIC PARAPLEGIA, AUTOSOMAL RECESSIVE, WITH MENTAL IMPAIRMENT AND THIN CORPUS CALLOSUM; Nakamura Osame syndrome; Autosomal recessive hereditary spastic paraplegia, mental impairment, and thin corpus callosum; Spastic paraplegia, mental retardation and thin corpus callosum; Spastic Paraplegia 11. Identifiers: Orphanet 2822, MedGen C1858479, MONDO:0011445, OMIM 604360.

Allele frequency attached by ClinVar (database versions not stated): gnomAD exomes below 0.00001 and 0.00001; ExAC 0.00001.
gnomAD v4.1: 5 of 1,614,118 alleles (0.00031%); highest among the groups gnomAD compares: Admixed American, 0.005%; no homozygotes.

Submission:

Labcorp Genetics (formerly Invitae), Labcorp
Classification: Uncertain significance for Hereditary spastic paraplegia 11. Last evaluated: 2022-07-05. Review status: criteria provided, single submitter. Criteria: Invitae Variant Classification Sherloc (09022015). Collection method: clinical testing. Allele origin: germline.
Comment: ClinVar contains an entry for this variant (Variation ID: 1412469). In summary, the available evidence is currently insufficient to determine the role of this variant in disease. Therefore, it has been classified as a Variant of Uncertain Significance. Algorithms developed to predict the effect of missense changes on protein structure and function are either unavailable or do not agree on the potential impact of this missense change (SIFT: "Tolerated"; PolyPhen-2: "Possibly Damaging"; Align-GVGD: "Class C0"). This variant has not been reported in the literature in individuals affected with SPG11-related conditions. This variant is present in population databases (rs745439746, gnomAD 0.009%). This sequence change replaces aspartic acid, which is acidic and polar, with histidine, which is basic and polar, at codon 1401 of the SPG11 protein (p.Asp1401His).